The following is an entry in ClinVar:

NM_021922.3(FANCE):c.722C>T (p.Ser241Phe)

Gene: FANCE (FA complementation group E; plus strand). Cytogenetic location: 6p21.31.
Variant type: single nucleotide variant.
Coding change: c.722C>T on transcript NM_021922.3 (MANE Select); coding-DNA position 722, C replaced by T.
Protein change: p.Ser241Phe; replaces serine 241 with phenylalanine.
Molecular consequence: missense variant.
Genome position (GRCh38, 1-based): chr6:35,456,220, C>T. VCF-style: chr6-35456220-C-T. GRCh37 (hg19) VCF-style: chr6-35423997-C-T.
Other names: short protein forms S241F.
Identifiers: ClinVar variation 945628 (VCV000945628.8), dbSNP rs933204286, ClinGen allele CA137295052.

ClinVar aggregate classification (germline): Uncertain significance. Review status: criteria provided, multiple submitters, no conflicts (2 of 4 stars). 2 submissions from 2 submitters: Uncertain significance (2). Last evaluated 2024-06-01.

Conditions:
Fanconi anemia complementation group E (FANCE). Also called: FANCE-Related Fanconi Anemia. Identifiers: Orphanet 84, MedGen C3160739, MONDO:0010953, OMIM 600901.

Allele frequency attached by ClinVar (database versions not stated): gnomAD exomes below 0.00001.
gnomAD v4.1: 3 of 1,614,142 alleles (0.00019%); highest among the groups gnomAD compares: African/African-American, 0.004%; no homozygotes.

Submissions (2):

Fulgent Genetics
Classification: Uncertain significance for Fanconi anemia complementation group E. Last evaluated: 2024-06-01. Review status: criteria provided, single submitter. Criteria: ACMG Guidelines, 2015. Collection method: clinical testing. Allele origin: germline.

Labcorp Genetics (formerly Invitae), Labcorp
Classification: Uncertain significance for Fanconi anemia complementation group E. Last evaluated: 2022-01-31. Review status: criteria provided, single submitter. Criteria: Invitae Variant Classification Sherloc (09022015). Collection method: clinical testing. Allele origin: germline.
Comment: This sequence change replaces serine, which is neutral and polar, with phenylalanine, which is neutral and non-polar, at codon 241 of the FANCE protein (p.Ser241Phe). This variant is not present in population databases (gnomAD no frequency). This variant has not been reported in the literature in individuals affected with FANCE-related conditions. ClinVar contains an entry for this variant (Variation ID: 945628). Algorithms developed to predict the effect of missense changes on protein structure and function output the following: SIFT: "Tolerated"; PolyPhen-2: "Benign"; Align-GVGD: "Class C0". The phenylalanine amino acid residue is found in multiple mammalian species, which suggests that this missense change does not adversely affect protein function. In summary, the available evidence is currently insufficient to determine the role of this variant in disease. Therefore, it has been classified as a Variant of Uncertain Significance.